The following is an entry in ClinVar:

ClinVar aggregate classification (somatic clinical impact): Tier I - Strong (1 of 4 stars; one submission).

Conditions:
Solid tumor. Also called: Solid neoplasm; Solid tumors. Identifiers: MedGen C0280100.

Submission:

Institute for Genomic Medicine (IGM) Clinical Laboratory, Nationwide Children's Hospital
Classification: Tier I - Strong for Solid tumor. Assertion type: diagnostic. Clinical significance: supports diagnosis. Last evaluated: 2025-09-29. Review status: criteria provided, single submitter. Criteria: AMP/ASCO/CAP Guidelines, 2017. Collection method: clinical testing. Allele origin: somatic. Affected: yes.
Comment: Variant has Tier I (strong) clinical significance as a diagnostic inclusion criterion in neoplasm, based on the following evidence: 1) Documented in one or more cancer databases (e.g., St. Jude Pecan, COSMIC, CIViC, OncoKB). 2) Information in the literature supports potential biologic effect of variant. 3) Diagnostic for a specific tumor type/classification according to professional guidelines (Evidence Level A; PMIDs: 36088476, 26977886, 21108436, 12429635, 15899790, 26365879, 35705558, 35705560, 29280680).

Literature cited by the submitters: PubMed 36088476; PubMed 26977886; PubMed 21108436; PubMed 12429635; PubMed 15899790; PubMed 26365879; PubMed 35705558; PubMed 35705560; PubMed 29280680.

NM_003073.5(SMARCB1):c.110_111dup (p.Met38fs)

Gene: SMARCB1 (SWI/SNF related BAF chromatin remodeling complex subunit B1; plus strand). Cytogenetic location: 22q11.23.
Variant type: Duplication.
Coding change: c.110_111dup on transcript NM_003073.5 (MANE Select); coding-DNA positions 110 to 111, 2 bases duplicated (GT; older notation c.110_111dupGT).
Protein change: p.Met38fs; shifts the reading frame from methionine 38.
Molecular consequence: frameshift variant.
Genome position (GRCh38, 1-based): chr22:23,791,772-23,791,773, GT duplicated. VCF-style (leftmost placement, unchanged base first): chr22-23791771-C-CGT. GRCh37 (hg19) VCF-style: chr22-24133958-C-CGT.
Other names: c.110_111dup, p.Met38fs (NM_001007468.3, NM_001317946.2, NM_001362877.2); short protein forms M38fs.
Identifiers: ClinVar variation 4530291 (VCV004530291.1).